The following is an entry in ClinVar:

NM_001100913.3(PACS2):c.1865T>G (p.Phe622Cys)

Gene: PACS2 (phosphofurin acidic cluster sorting protein 2; plus strand). Cytogenetic location: 14q32.33.
Variant type: single nucleotide variant.
Coding change: c.1865T>G on transcript NM_001100913.3 (MANE Select); coding-DNA position 1865, T replaced by G.
Protein change: p.Phe622Cys; replaces phenylalanine 622 with cysteine.
Molecular consequence: missense variant.
Genome position (GRCh38, 1-based): chr14:105,384,437, T>G. VCF-style: chr14-105384437-T-G. GRCh37 (hg19) VCF-style: chr14-105850774-T-G.
Other names: c.1628T>G, p.Phe543Cys (NM_001243127.3); c.1853T>G, p.Phe618Cys (NM_015197.4); short protein forms F543C, F618C, F622C.
Identifiers: ClinVar variation 3645754 (VCV003645754.2).
Genomic context (GRCh38, chr14:105,384,437, plus strand): 5'-TAGGCTCCGTGGACTACCGCTACAACAACTTCTTCCAGGACCTGGCCTGGAGAGACCTGT[T>G]CAACAAGCTGGAGGCCCAGAGTGCGGGTGAGGCCCGGGCGCGTCCACAGCCCACGCCACG-3'
Protein context (NP_001094383.2, residues 612-632): FFQDLAWRDL[Phe622Cys]NKLEAQSAVQ

ClinVar aggregate classification (germline): Uncertain significance (1 of 4 stars; one submission).

gnomAD v4.1: 1 of 1,611,898 alleles (0.000062%); highest among the groups gnomAD compares: African/African-American, 0.0013%; no homozygotes.

Submission:

Labcorp Genetics (formerly Invitae), Labcorp
Classification: Uncertain significance. Last evaluated: 2024-03-13. Review status: criteria provided, single submitter. Criteria: Invitae Variant Classification Sherloc (09022015). Collection method: clinical testing. Allele origin: germline.
Comment: This sequence change replaces phenylalanine, which is neutral and non-polar, with cysteine, which is neutral and slightly polar, at codon 622 of the PACS2 protein (p.Phe622Cys). This variant is not present in population databases (gnomAD no frequency). This variant has not been reported in the literature in individuals affected with PACS2-related conditions. Advanced modeling of protein sequence and biophysical properties (such as structural, functional, and spatial information, amino acid conservation, physicochemical variation, residue mobility, and thermodynamic stability) performed at Invitae indicates that this missense variant is expected to disrupt PACS2 protein function with a positive predictive value of 80%. In summary, the available evidence is currently insufficient to determine the role of this variant in disease. Therefore, it has been classified as a Variant of Uncertain Significance.